The following is an entry in ClinVar:

NM_058179.4(PSAT1):c.1051A>G (p.Ile351Val)

Gene: PSAT1 (phosphoserine aminotransferase 1; plus strand). Cytogenetic location: 9q21.2.
Variant type: single nucleotide variant.
Coding change: c.1051A>G on transcript NM_058179.4 (MANE Select); coding-DNA position 1051, A replaced by G.
Protein change: p.Ile351Val; replaces isoleucine 351 with valine.
Molecular consequence: missense variant.
Genome position (GRCh38, 1-based): chr9:78,329,024, A>G. VCF-style: chr9-78329024-A-G. GRCh37 (hg19) VCF-style: chr9-80943940-A-G.
Other names: c.913A>G, p.Ile305Val (NM_021154.5); short protein forms I305V, I351V.
Identifiers: ClinVar variation 977017 (VCV000977017.10), dbSNP rs760503466, ClinGen allele CA5095804.

ClinVar aggregate classification (germline): Uncertain significance. Review status: criteria provided, single submitter (1 of 4 stars). 2 submissions from 2 submitters: Uncertain significance (1). 1 of the submissions does not count toward it. Last evaluated 2025-05-05.

Conditions:
Neu-Laxova syndrome 2. Identifiers: Orphanet 2671, Orphanet 583602, MedGen C4015019, MONDO:0014466, OMIM 616038.

Allele frequency attached by ClinVar (database versions not stated): gnomAD exomes below 0.00001; ExAC 0.00001; TOPMed 0.00001.
gnomAD v4.1: 7 of 1,613,610 alleles (0.00043%); highest among the groups gnomAD compares: African/African-American, 0.0013%; no homozygotes.

Submissions (2):

Labcorp Genetics (formerly Invitae), Labcorp
Classification: Uncertain significance for Neu-Laxova syndrome 2. Last evaluated: 2025-05-05. Review status: criteria provided, single submitter. Criteria: Invitae Variant Classification Sherloc (09022015). Collection method: clinical testing. Allele origin: germline.
Comment: This sequence change replaces isoleucine, which is neutral and non-polar, with valine, which is neutral and non-polar, at codon 351 of the PSAT1 protein (p.Ile351Val). This variant is present in population databases (rs760503466, gnomAD 0.003%). This variant has not been reported in the literature in individuals affected with PSAT1-related conditions. ClinVar contains an entry for this variant (Variation ID: 977017). Invitae Evidence Modeling of protein sequence and biophysical properties (such as structural, functional, and spatial information, amino acid conservation, physicochemical variation, residue mobility, and thermodynamic stability) indicates that this missense variant is not expected to disrupt PSAT1 protein function with a negative predictive value of 80%. Experimental studies are conflicting or provide insufficient evidence to determine the effect of this variant on PSAT1 function (PMID: 32077105). In summary, the available evidence is currently insufficient to determine the role of this variant in disease. Therefore, it has been classified as a Variant of Uncertain Significance.

Dudley Research Group, Pacific Northwest Research Institute
No classification provided. Review status: no classification provided. Collection method: research, in vivo. Allele origin: unknown, not applicable. Functional consequence: functionally_normal. Not counted in ClinVar's aggregate classification.

Literature cited by the submitters: PubMed 32077105 (cited by Labcorp Genetics (formerly Invitae), Labcorp).